The following is an entry in ClinVar:

ClinVar aggregate classification (germline): Conflicting classifications of pathogenicity. Review status: criteria provided, conflicting classifications (1 of 4 stars). 3 submissions from 3 submitters: Likely pathogenic (2); Uncertain significance (1). Last evaluated 2025-10-21.

Conditions:
Alport syndrome. Also called: Hemorrhagic familial nephritis; Hemorrhagic hereditary nephritis; Congenital hereditary hematuria. Identifiers: Orphanet 63, MedGen C1567741, MONDO:0018965.

Allele frequency attached by ClinVar (database versions not stated): gnomAD exomes 0.00001; TOPMed 0.00001.
gnomAD v4.1: 10 of 1,607,500 alleles (0.00062%); highest among the groups gnomAD compares: Non-Finnish European, 0.00085%; no homozygotes.

Submissions (3):

Labcorp Genetics (formerly Invitae), Labcorp
Classification: Uncertain significance. Last evaluated: 2025-10-21. Review status: criteria provided, single submitter. Criteria: Invitae Variant Classification Sherloc (09022015). Collection method: clinical testing. Allele origin: germline.
Comment: This sequence change replaces glycine, which is neutral and non-polar, with valine, which is neutral and non-polar, at codon 1163 of the COL4A4 protein (p.Gly1163Val). This variant is not present in population databases (gnomAD no frequency). This missense change has been observed in individual(s) with autosomal dominant COL4A4-related conditions (internal data). ClinVar contains an entry for this variant (Variation ID: 930188). Invitae Evidence Modeling of protein sequence and biophysical properties (such as structural, functional, and spatial information, amino acid conservation, physicochemical variation, residue mobility, and thermodynamic stability) indicates that this missense variant is expected to disrupt COL4A4 protein function with a positive predictive value of 95%. In summary, the available evidence is currently insufficient to determine the role of this variant in disease. Therefore, it has been classified as a Variant of Uncertain Significance.

Natera, Inc.
Classification: Likely pathogenic for Alport syndrome. Last evaluated: 2025-09-03. Review status: criteria provided, single submitter. Criteria: Natera Variant Classification Schema (03/2026). Collection method: clinical testing. Allele origin: germline.
Comment: The c.3488G>T variant in COL4A4 is a missense variant predicted to cause substitution of glycine to valine at amino acid 1163. This variant is rare in the general population with a frequency below the threshold expected for the associated phenotype(s). This variant is located in a functionally critical region of the protein. Computational prediction algorithms indicate this variant is likely to affect gene or protein function. Given the available evidence, this variant is classified as Likely Pathogenic.

UNC Molecular Genetics  Laboratory, University of North Carolina at Chapel Hill
Classification: Likely pathogenic for Alport syndrome. Last evaluated: 2019-10-10. Review status: criteria provided, single submitter. Criteria: ACMG Guidelines, 2015. Collection method: clinical testing. Allele origin: germline. Affected: yes. Observed: 1 compound heterozygote.

NM_000092.5(COL4A4):c.3488G>T (p.Gly1163Val)

Gene: COL4A4 (collagen type IV alpha 4 chain; minus strand). Cytogenetic location: 2q36.3.
Variant type: single nucleotide variant.
Coding change: c.3488G>T on transcript NM_000092.5 (MANE Select); coding-DNA position 3488, G replaced by T.
Protein change: p.Gly1163Val; replaces glycine 1163 with valine.
Molecular consequence: missense variant.
Genome position (GRCh38, 1-based): chr2:227,042,165, C>A on the plus strand (G>T on the coding strand, the complement: COL4A4 is on the minus strand). VCF-style: chr2-227042165-C-A. GRCh37 (hg19) VCF-style: chr2-227906881-C-A.
Other names: short protein forms G1163V.
Identifiers: ClinVar variation 930188 (VCV000930188.17), dbSNP rs1559480099, ClinGen allele CA350838181.